The following is an entry in ClinVar:

NM_001206999.2(CIT):c.4855-13C>T

Gene: CIT (citron rho-interacting serine/threonine kinase; minus strand). Cytogenetic location: 12q24.23.
Variant type: single nucleotide variant.
Coding change: c.4855-13C>T on transcript NM_001206999.2 (MANE Select); 13 bases into the intron before coding-DNA position 4855, C replaced by T.
Molecular consequence: intron variant.
Genome position (GRCh38, 1-based): chr12:119,710,633, G>A on the plus strand (C>T on the coding strand, the complement: CIT is on the minus strand). VCF-style: chr12-119710633-G-A. GRCh37 (hg19) VCF-style: chr12-120148438-G-A.
Other names: c.4729-13C>T (NM_007174.3).
Identifiers: ClinVar variation 1305293 (VCV001305293.2), dbSNP rs549043964, ClinGen allele CA6821065.

ClinVar aggregate classification (germline): Uncertain significance (1 of 4 stars; one submission).

Allele frequency attached by ClinVar (database versions not stated): TOPMed 0.00003; gnomAD 0.00012; gnomAD exomes 0.00014 and 0.00033; 1000 Genomes Project 30x 0.00031; ExAC 0.00033; 1000 Genomes Project 0.00040.
gnomAD v4.1: 227 of 1,610,188 alleles (0.014%); highest among the groups gnomAD compares: South Asian, 0.23%; no homozygotes.

Submission:

GeneDx
Classification: Uncertain significance. Last evaluated: 2019-04-29. Review status: criteria provided, single submitter. Criteria: GeneDx Variant Classification Process June 2021. Collection method: clinical testing. Allele origin: germline. Affected: yes.
Comment: In-silico analysis, which includes splice predictors and evolutionary conservation, is inconclusive as to whether the variant alters gene splicing. In the absence of RNA/functional studies, the actual effect of this sequence change is unknown.